The following is an entry in ClinVar:

ClinVar aggregate classification (germline): Uncertain significance (1 of 4 stars; one submission).

Submission:

GeneDx
Classification: Uncertain significance. Last evaluated: 2022-05-12. Review status: criteria provided, single submitter. Criteria: GeneDx Variant Classification Process June 2021. Collection method: clinical testing. Allele origin: germline. Affected: yes.
Comment: Not observed at significant frequency in large population cohorts (gnomAD); In silico analysis supports that this missense variant has a deleterious effect on protein structure/function; In silico analysis supports that this missense variant does not alter protein structure/function; Has not been previously published as pathogenic or benign to our knowledge

NM_003995.4(NPR2):c.2980G>A (p.Gly994Ser)

Genes: NPR2 (natriuretic peptide receptor 2; plus strand), SPAG8 (sperm associated antigen 8; minus strand). Cytogenetic location: 9p13.3.
Variant type: single nucleotide variant.
Coding change: c.2980G>A on transcript NM_003995.4 (MANE Select); coding-DNA position 2980, G replaced by A.
Protein change: p.Gly994Ser; replaces glycine 994 with serine.
Molecular consequence: missense variant. On other transcripts: intron variant (2).
Genome position (GRCh38, 1-based): chr9:35,808,847, G>A. VCF-style: chr9-35808847-G-A. GRCh37 (hg19) VCF-style: chr9-35808844-G-A.
Other names: c.2989G>A, p.Gly997Ser (NM_001378923.1); c.1201-541C>T (NM_001366760.2); c.1373-541C>T (NM_172312.2); short protein forms G994S, G997S.
Identifiers: ClinVar variation 1723578 (VCV001723578.2), dbSNP rs2491077954, ClinGen allele CA373386306.